The following is an entry in ClinVar:

ClinVar aggregate classification (germline): Likely pathogenic (1 of 4 stars; one submission).

Conditions:
Immunodeficiency 104. Also called: Severe combined immunodeficiency, autosomal recessive, T cell-negative, B cell-positive, NK cell-positive; SCID, AUTOSOMAL RECESSIVE, T CELL-NEGATIVE, B CELL-POSITIVE, NK CELL-POSITIVE; Severe Combined Immune Deficiency, Autosomal Recessive, TCell -Negative, B Cell-Positive, NK Cell-Positive, IL7R-Related; IMMUNODEFICIENCY 104, SEVERE COMBINED. Identifiers: MedGen C5676890, MONDO:0012163, OMIM 608971.

Submission:

Labcorp Genetics (formerly Invitae), Labcorp
Classification: Likely pathogenic for Immunodeficiency 104. Last evaluated: 2022-10-18. Review status: criteria provided, single submitter. Criteria: Invitae Variant Classification Sherloc (09022015). Collection method: clinical testing. Allele origin: germline.
Comment: In summary, the currently available evidence indicates that the variant is pathogenic, but additional data are needed to prove that conclusively. Therefore, this variant has been classified as Likely Pathogenic. Algorithms developed to predict the effect of sequence changes on RNA splicing suggest that this variant may disrupt the consensus splice site. This variant has not been reported in the literature in individuals affected with PTPRC-related conditions. This variant is not present in population databases (gnomAD no frequency). This sequence change affects an acceptor splice site in intron 29 of the PTPRC gene. It is expected to disrupt RNA splicing. Variants that disrupt the donor or acceptor splice site typically lead to a loss of protein function (PMID: 16199547), and loss-of-function variants in PTPRC are known to be pathogenic (PMID: 10700239).

Literature cited by the submitters: PubMed 16199547; PubMed 10700239.

NM_002838.5(PTPRC):c.3208-1G>C

Gene: PTPRC (protein tyrosine phosphatase receptor type C; plus strand). Cytogenetic location: 1q32.1.
Variant type: single nucleotide variant.
Coding change: c.3208-1G>C on transcript NM_002838.5 (MANE Select); the canonical splice acceptor site of the intron before coding-DNA position 3208, G replaced by C.
Molecular consequence: splice acceptor variant.
Genome position (GRCh38, 1-based): chr1:198,752,248, G>C. VCF-style: chr1-198752248-G-C. GRCh37 (hg19) VCF-style: chr1-198721377-G-C.
Other names: c.2725-1G>C (NM_080921.4).
Identifiers: ClinVar variation 2808855 (VCV002808855.3), dbSNP rs745816899, ClinGen allele CA344054214.